The following is an entry in ClinVar:

NM_001254.4(CDC6):c.1249+6T>C

Gene: CDC6 (cell division cycle 6; plus strand). Cytogenetic location: 17q21.2.
Variant type: single nucleotide variant.
Coding change: c.1249+6T>C on transcript NM_001254.4 (MANE Select); 6 bases into the intron after coding-DNA position 1249, T replaced by C.
Molecular consequence: intron variant.
Genome position (GRCh38, 1-based): chr17:40,296,773, T>C. VCF-style: chr17-40296773-T-C. GRCh37 (hg19) VCF-style: chr17-38453025-T-C.
Identifiers: ClinVar variation 3013341 (VCV003013341.3), dbSNP rs374208752, ClinGen allele CA8542096.

ClinVar aggregate classification (germline): Uncertain significance (1 of 4 stars; one submission).

Allele frequency attached by ClinVar (database versions not stated): ExAC 0.00001; gnomAD 0.00001; TOPMed 0.00001; ESP Exome Variant Server 0.00008.

Submission:

Labcorp Genetics (formerly Invitae), Labcorp
Classification: Uncertain significance. Last evaluated: 2023-12-22. Review status: criteria provided, single submitter. Criteria: Invitae Variant Classification Sherloc (09022015). Collection method: clinical testing. Allele origin: germline.
Comment: This sequence change falls in intron 9 of the CDC6 gene. It does not directly change the encoded amino acid sequence of the CDC6 protein. It affects a nucleotide within the consensus splice site. This variant is present in population databases (rs374208752, gnomAD 0.002%). This variant has not been reported in the literature in individuals affected with CDC6-related conditions. Variants that disrupt the consensus splice site are a relatively common cause of aberrant splicing (PMID: 17576681, 9536098). Algorithms developed to predict the effect of sequence changes on RNA splicing suggest that this variant may disrupt the consensus splice site. In summary, the available evidence is currently insufficient to determine the role of this variant in disease. Therefore, it has been classified as a Variant of Uncertain Significance.

Literature cited by the submitters: PubMed 17576681; PubMed 9536098.